The following is an entry in ClinVar:

ClinVar aggregate classification (germline): Conflicting classifications of pathogenicity. Review status: criteria provided, conflicting classifications (1 of 4 stars). 2 submissions from 2 submitters: Uncertain significance (1); Likely benign (1). Last evaluated 2025-06-30.

Conditions:
Inborn genetic diseases. Identifiers: MedGen C0950123, MeSH D030342.
Vici syndrome (VICIS). Identifiers: Orphanet 1493, MedGen C1855772, MONDO:0009452, OMIM 242840.

Allele frequency attached by ClinVar (database versions not stated): gnomAD exomes 0.00001 and 0.00002; TOPMed 0.00002; ExAC 0.00003; gnomAD 0.00003; ESP Exome Variant Server 0.00008.
gnomAD v4.1: 21 of 1,613,724 alleles (0.0013%); highest among the groups gnomAD compares: African/African-American, 0.0027%; no homozygotes.

Submissions (2):

Ambry Genetics
Classification: Likely benign for Inborn genetic diseases. Last evaluated: 2025-06-30. Review status: criteria provided, single submitter. Criteria: Ambry Variant Classification Scheme 2023. Collection method: clinical testing. Allele origin: germline.

Labcorp Genetics (formerly Invitae), Labcorp
Classification: Uncertain significance for Vici syndrome. Last evaluated: 2022-02-20. Review status: criteria provided, single submitter. Criteria: Invitae Variant Classification Sherloc (09022015). Collection method: clinical testing. Allele origin: germline.
Comment: This sequence change replaces arginine, which is basic and polar, with glutamine, which is neutral and polar, at codon 417 of the EPG5 protein (p.Arg417Gln). This variant is present in population databases (rs369094716, gnomAD 0.008%). This variant has not been reported in the literature in individuals affected with EPG5-related conditions. Algorithms developed to predict the effect of missense changes on protein structure and function output the following: SIFT: "Tolerated"; PolyPhen-2: "Benign"; Align-GVGD: "Class C0". The glutamine amino acid residue is found in multiple mammalian species, which suggests that this missense change does not adversely affect protein function. Algorithms developed to predict the effect of sequence changes on RNA splicing suggest that this variant may disrupt the consensus splice site. In summary, the available evidence is currently insufficient to determine the role of this variant in disease. Therefore, it has been classified as a Variant of Uncertain Significance.

NM_020964.3(EPG5):c.1250G>A (p.Arg417Gln)

Gene: EPG5 (ectopic P-granules 5 autophagy tethering factor; minus strand). Cytogenetic location: 18q21.1.
Variant type: single nucleotide variant.
Coding change: c.1250G>A on transcript NM_020964.3 (MANE Select); coding-DNA position 1250, G replaced by A.
Protein change: p.Arg417Gln; replaces arginine 417 with glutamine.
Molecular consequence: missense variant.
Genome position (GRCh38, 1-based): chr18:45,952,402, C>T on the plus strand (G>A on the coding strand, the complement: EPG5 is on the minus strand). VCF-style: chr18-45952402-C-T. GRCh37 (hg19) VCF-style: chr18-43532368-C-T.
Other names: c.1250G>A (NM_020964.2); short protein forms R417Q.
Identifiers: ClinVar variation 1418204 (VCV001418204.7), dbSNP rs369094716, ClinGen allele CA8949790.
Genomic context (GRCh38, chr18:45,952,402, plus strand): 5'-ACCCCTCAATTTTTTTTTACTTCAAAACACAAGAAAGAGAGCTTCATTACTTACATACCT[C>T]GGCCTTGCTGGTGAATTGCTGAAGATCTCAGAACAGCTGAACTACTGAGCAATGCATAGA-3'
Protein context (NP_066015.2, residues 407-427): LRSSAIHQQG[Arg417Gln]ASKQTESIPS